The following is an entry in ClinVar:

ClinVar aggregate classification (germline): Uncertain significance (1 of 4 stars; one submission).

Conditions:
Hereditary cancer-predisposing syndrome. Also called: Neoplastic Syndromes, Hereditary; Tumor predisposition; Hereditary Cancer Syndrome; Hereditary neoplastic syndrome. Identifiers: Orphanet 140162, MedGen C0027672, MeSH D009386, MONDO:0015356.

gnomAD v4.1: 1 of 152,090 alleles (0.00066%); highest among the groups gnomAD compares: African/African-American, 0.0024%; no homozygotes.

Submission:

Ambry Genetics
Classification: Uncertain significance for Hereditary cancer-predisposing syndrome. Last evaluated: 2025-11-20. Review status: criteria provided, single submitter. Criteria: Ambry Variant Classification Scheme 2023. Collection method: clinical testing. Allele origin: germline.
Comment: The c.627+1281G>C intronic variant results from a G to C substitution 1281 nucleotides after coding exon 5 in the BRIP1 gene. This nucleotide position is highly conserved in available vertebrate species. In silico splice site analysis predicts that this alteration will result in the creation or strengthening of a novel splice acceptor site; however, direct evidence is insufficient at this time (Ambry internal data). Based on the available evidence, the clinical significance of this variant remains unclear.

NM_032043.3(BRIP1):c.627+1281G>C

Gene: BRIP1 (BRCA1 interacting DNA helicase 1; minus strand). Cytogenetic location: 17q23.2.
Variant type: single nucleotide variant.
Coding change: c.627+1281G>C on transcript NM_032043.3 (MANE Select); 1281 bases into the intron after coding-DNA position 627, G replaced by C.
Molecular consequence: intron variant.
Genome position (GRCh38, 1-based): chr17:61,845,820, C>G on the plus strand (G>C on the coding strand, the complement: BRIP1 is on the minus strand). VCF-style: chr17-61845820-C-G. GRCh37 (hg19) VCF-style: chr17-59923181-C-G.
Identifiers: ClinVar variation 4631091 (VCV004631091.1).